The following is an entry in ClinVar:

ClinVar aggregate classification (germline): Benign/Likely benign. Review status: criteria provided, multiple submitters, no conflicts (2 of 4 stars). 16 submissions from 15 submitters: Benign (12); Likely benign (1). 3 of the submissions do not count toward it. Last evaluated 2026-02-04.

Conditions:
Ehlers-Danlos syndrome, classic type, 1 (EDSCL1). Also called: Ehlers-Danlos syndrome, type 1; Ehlers-Danlos Syndrome, Classic Type, COL5A1-Related; EDS I; EHLERS-DANLOS SYNDROME, GRAVIS TYPE; EHLERS-DANLOS SYNDROME, SEVERE CLASSIC TYPE. Identifiers: MedGen C0268335, MONDO:0019567, OMIM 130000.
Fibromuscular dysplasia, multifocal. Identifiers: MedGen C5543412, MONDO:0859151, OMIM 619329.
Ehlers-Danlos syndrome (EDS). Identifiers: Orphanet 98249, MedGen C0013720, MONDO:0020066.
Familial thoracic aortic aneurysm and aortic dissection (TAAD). Also called: Thoracic aortic aneurysms and dissections. Identifiers: Orphanet 91387, MedGen C4707243, MONDO:0019625.

Allele frequency attached by ClinVar (database versions not stated): 1000 Genomes Project 30x 0.01952; 1000 Genomes Project 0.01937.
gnomAD v4.1: 78,050 of 1,613,790 alleles (4.8%); highest among the groups gnomAD compares: Non-Finnish European, 5.5%; 2,116 homozygotes.

Submissions 1 to 28 of 89:

Labcorp Genetics (formerly Invitae), Labcorp
Classification: Benign for Ehlers-Danlos syndrome, classic type, 1. Last evaluated: 2026-02-04. Review status: criteria provided, single submitter. Criteria: Invitae Variant Classification Sherloc (09022015). Collection method: clinical testing. Allele origin: germline.

Molecular Diagnostic Laboratory for Inherited Cardiovascular Disease, Montreal Heart Institute
Classification: Benign. Last evaluated: 2025-04-09. Review status: criteria provided, single submitter. Criteria: ACMG Guidelines, 2015. Collection method: clinical testing. Allele origin: germline. Affected: no.

Blueprint Genetics
Classification: Benign. Last evaluated: 2024-11-27. Review status: criteria provided, single submitter. Criteria: ACMG Guidelines, 2015. Collection method: clinical testing. Allele origin: germline.

Genome Diagnostics Laboratory, The Hospital for Sick Children
Classification: Benign for Ehlers-Danlos syndrome. Last evaluated: 2022-07-16. Review status: criteria provided, single submitter. Criteria: ACMG Guidelines, 2015. Collection method: clinical testing. Allele origin: germline.

Genome-Nilou Lab
Classification: Benign for Ehlers-Danlos syndrome, classic type, 1. Last evaluated: 2022-03-15. Review status: criteria provided, single submitter. Criteria: ACMG Guidelines, 2015. Collection method: clinical testing. Allele origin: germline. Affected: no.

Genome-Nilou Lab
Classification: Benign for Fibromuscular dysplasia, multifocal. Last evaluated: 2022-03-15. Review status: criteria provided, single submitter. Criteria: ACMG Guidelines, 2015. Collection method: clinical testing. Allele origin: germline. Affected: no.

Mayo Clinic Laboratories, Mayo Clinic
Classification: Benign. Last evaluated: 2017-11-29. Review status: criteria provided, single submitter. Criteria: ACMG Guidelines, 2015. Collection method: clinical testing. Allele origin: germline. Observed: 580 variant alleles.

Women's Health and Genetics/Laboratory Corporation of America, LabCorp
Classification: Benign. Last evaluated: 2017-03-15. Review status: criteria provided, single submitter. Criteria: LabCorp Variant Classification Summary - May 2015. Collection method: clinical testing. Allele origin: germline.
Comment: Variant summary: The COL5A1 c.4482G>A (p.Pro1494Pro) variant involves the alteration of a non-conserved nucleotide, resulting in a synonymous change. 5/5 splice prediction tools suggest on a creation of a new cryptic donor-accepter pair. ESE finder predicts that this variant may eliminate an SF2/ASF ESE site at the locus. However, these predictions have yet to be confirmed by functional studies. This variant was found in 5251/121210 control chromosomes (182 homozygotes) at a frequency of 0.0433215, which is approximately 34657 times the estimated maximal expected allele frequency of a pathogenic COL5A1 variant (0.0000013), suggesting this variant is likely a benign polymorphism. The variant has been cited in at least one publication and was described by the authors as a common polymorphism (Symoens_HM_2012). In addition, multiple clinical diagnostic laboratories/reputable databases classified this variant as benign. Taken together, this variant is classified as benign.

Ambry Genetics
Classification: Benign for Familial thoracic aortic aneurysm and aortic dissection. Last evaluated: 2016-09-29. Review status: criteria provided, single submitter. Criteria: Ambry Variant Classification Scheme 2023. Collection method: clinical testing. Allele origin: germline.

Eurofins Ntd Llc (ga)
Classification: Benign. Last evaluated: 2015-01-20. Review status: criteria provided, single submitter. Criteria: EGL Classification Definitions 2015. Collection method: clinical testing. Allele origin: germline. Observed: 1 variant allele, 1 heterozygote.

GeneDx
Classification: Benign. Last evaluated: 2012-11-12. Review status: criteria provided, single submitter. Criteria: GeneDx Variant Classification (06012015). Collection method: clinical testing. Allele origin: germline. Affected: yes.
Comment: This variant is considered likely benign or benign based on one or more of the following criteria: it is a conservative change, it occurs at a poorly conserved position in the protein, it is predicted to be benign by multiple in silico algorithms, and/or has population frequency not consistent with disease.

Breakthrough Genomics
Classification: Likely benign. Review status: criteria provided, single submitter. Criteria: ACMG Guidelines, 2015. Collection method: not provided. Allele origin: germline. Inheritance: Autosomal dominant inheritance. Affected: yes.

PreventionGenetics, part of Exact Sciences
Classification: Benign. Review status: criteria provided, single submitter. Criteria: ACMG Guidelines, 2015. Collection method: clinical testing. Allele origin: germline.

Clinical Genetics DNA and cytogenetics Diagnostics Lab, Erasmus MC, Erasmus Medical Center
Classification: Benign. Review status: no assertion criteria provided. Collection method: clinical testing. Allele origin: germline. Affected: yes. Study: VKGL Data-share Consensus. Not counted in ClinVar's aggregate classification.

Dr. Peter K. Rogan Lab, Western University
No classification provided (evidence only). Condition: Acute myeloid leukemia. Review status: no classification provided. Collection method: in vitro. Allele origin: not applicable. Functional consequence: retained intron. Not counted in ClinVar's aggregate classification.

Dr. Peter K. Rogan Lab, Western University
No classification provided (evidence only). Condition: Acute myeloid leukemia. Review status: no classification provided. Collection method: in vitro. Allele origin: not applicable. Functional consequence: retained intron. Not counted in ClinVar's aggregate classification.

Dr. Peter K. Rogan Lab, Western University
No classification provided (evidence only). Condition: Acute myeloid leukemia. Review status: no classification provided. Collection method: in vitro. Allele origin: not applicable. Functional consequence: retained intron. Not counted in ClinVar's aggregate classification.

Dr. Peter K. Rogan Lab, Western University
No classification provided (evidence only). Condition: Acute myeloid leukemia. Review status: no classification provided. Collection method: in vitro. Allele origin: not applicable. Functional consequence: retained intron. Not counted in ClinVar's aggregate classification.

Dr. Peter K. Rogan Lab, Western University
No classification provided (evidence only). Condition: Acute myeloid leukemia. Review status: no classification provided. Collection method: in vitro. Allele origin: not applicable. Functional consequence: retained intron. Not counted in ClinVar's aggregate classification.

Dr. Peter K. Rogan Lab, Western University
No classification provided (evidence only). Condition: Colon adenocarcinoma. Review status: no classification provided. Collection method: in vitro. Allele origin: not applicable. Functional consequence: retained intron. Not counted in ClinVar's aggregate classification.

Dr. Peter K. Rogan Lab, Western University
No classification provided (evidence only). Condition: Colon adenocarcinoma. Review status: no classification provided. Collection method: in vitro. Allele origin: not applicable. Functional consequence: retained intron. Not counted in ClinVar's aggregate classification.

Dr. Peter K. Rogan Lab, Western University
No classification provided (evidence only). Condition: Colon adenocarcinoma. Review status: no classification provided. Collection method: in vitro. Allele origin: not applicable. Functional consequence: retained intron. Not counted in ClinVar's aggregate classification.

Dr. Peter K. Rogan Lab, Western University
No classification provided (evidence only). Condition: Colon adenocarcinoma. Review status: no classification provided. Collection method: in vitro. Allele origin: not applicable. Functional consequence: retained intron. Not counted in ClinVar's aggregate classification.

Dr. Peter K. Rogan Lab, Western University
No classification provided (evidence only). Condition: Colon adenocarcinoma. Review status: no classification provided. Collection method: in vitro. Allele origin: not applicable. Functional consequence: retained intron. Not counted in ClinVar's aggregate classification.

Dr. Peter K. Rogan Lab, Western University
No classification provided (evidence only). Condition: Colon adenocarcinoma. Review status: no classification provided. Collection method: in vitro. Allele origin: not applicable. Functional consequence: retained intron. Not counted in ClinVar's aggregate classification.

Dr. Peter K. Rogan Lab, Western University
No classification provided (evidence only). Condition: Colorectal cancer. Review status: no classification provided. Collection method: in vitro. Allele origin: not applicable. Functional consequence: retained intron. Not counted in ClinVar's aggregate classification.

Dr. Peter K. Rogan Lab, Western University
No classification provided (evidence only). Condition: Colorectal cancer. Review status: no classification provided. Collection method: in vitro. Allele origin: not applicable. Functional consequence: retained intron. Not counted in ClinVar's aggregate classification.

Dr. Peter K. Rogan Lab, Western University
No classification provided (evidence only). Condition: Colorectal cancer. Review status: no classification provided. Collection method: in vitro. Allele origin: not applicable. Functional consequence: retained intron. Not counted in ClinVar's aggregate classification.

NM_000093.5(COL5A1):c.4482G>A (p.Pro1494=)

Genes: COL5A1 (collagen type V alpha 1 chain; plus strand), LOC101448202 (uncharacterized LOC101448202; minus strand). Cytogenetic location: 9q34.3.
Variant type: single nucleotide variant.
Coding change: c.4482G>A on transcript NM_000093.5 (MANE Select); coding-DNA position 4482, G replaced by A.
Protein change: p.Pro1494=; no amino-acid change (proline 1494 retained).
Molecular consequence: synonymous variant. On other transcripts: non-coding transcript variant (1).
Genome position (GRCh38, 1-based): chr9:134,820,151, G>A. VCF-style: chr9-134820151-G-A. GRCh37 (hg19) VCF-style: chr9-137711997-G-A.
Other names: p.P1494P:CCG>CCA; p.Pro1494=; c.4482G>A, p.Pro1494= (NM_001278074.1).
Identifiers: ClinVar variation 136899 (VCV000136899.35), dbSNP rs2228560, ClinGen allele CA303028.